The following is an entry in ClinVar:

ClinVar aggregate classification (germline): Uncertain significance (1 of 4 stars; one submission).

Submission:

ARUP Laboratories, Molecular Genetics and Genomics, ARUP Laboratories
Classification: Uncertain significance. Last evaluated: 2021-03-15. Review status: criteria provided, single submitter. Criteria: ARUP Molecular Germline Variant Investigation Process 2021. Collection method: clinical testing. Allele origin: germline.
Comment: The HBB c.220G>C; p.Asp74His variant (also known as Asp73His when numbered from the mature protein), to our knowledge, is not reported in the medical literature or gene specific databases. This variant is also absent from general population databases (Exome Variant Server, Genome Aggregation Database), indicating it is not a common polymorphism. The aspartic acid at codon 74 is weakly conserved, but computational analyses are uncertain whether this variant is neutral or deleterious (REVEL: 0.676). However, given the lack of clinical and functional data, the significance of the p.Asp74His variant is uncertain at this time.

NM_000518.5(HBB):c.220G>C (p.Asp74His)

Genes: HBB (hemoglobin subunit beta; minus strand), LOC106099062 (HBB recombination region; plus strand), LOC107133510 (origin of replication at HBB; plus strand). Cytogenetic location: 11p15.4.
Variant type: single nucleotide variant.
Coding change: c.220G>C on transcript NM_000518.5 (MANE Select); coding-DNA position 220, G replaced by C.
Protein change: p.Asp74His; replaces aspartic acid 74 with histidine.
Molecular consequence: missense variant.
Genome position (GRCh38, 1-based): chr11:5,226,672, C>G on the plus strand (G>C on the coding strand, the complement: HBB is on the minus strand). VCF-style: chr11-5226672-C-G. GRCh37 (hg19) VCF-style: chr11-5247902-C-G.
Other names: short protein forms D74H.
Identifiers: ClinVar variation 1330628 (VCV001330628.7), dbSNP rs33945705, ClinGen allele CA379273847.